The following is an entry in ClinVar:

NM_005562.3(LAMC2):c.881_888del (p.Leu294fs)

Gene: LAMC2 (laminin subunit gamma 2; plus strand). Cytogenetic location: 1q25.3.
Variant type: Deletion.
Coding change: c.881_888del on transcript NM_005562.3 (MANE Select); coding-DNA positions 881 to 888, 8 bases deleted (TACGGATC; older notation c.881_888delTACGGATC).
Protein change: p.Leu294fs; shifts the reading frame from leucine 294.
Molecular consequence: frameshift variant.
Genome position (GRCh38, 1-based): chr1:183,223,252-183,223,259, TACGGATC deleted; deleting any 8 consecutive bases within chr1:183,223,250-183,223,259 gives the same sequence; the c. name uses the placement nearest the transcript's 3' end. VCF-style (leftmost placement, unchanged base first): chr1-183223249-GTCTACGGA-G. GRCh37 (hg19) VCF-style: chr1-183192384-GTCTACGGA-G.
Other names: c.881_888del, p.Leu294fs (NM_018891.3); short protein forms L294fs.
Identifiers: ClinVar variation 5012558 (VCV005012558.1).

ClinVar aggregate classification (germline): Pathogenic (1 of 4 stars; one submission).

Conditions:
Junctional epidermolysis bullosa. Identifiers: Orphanet 305, MedGen C0079301, MONDO:0017612.

Submission:

Myriad Genetics, Inc.
Classification: Pathogenic for Junctional epidermolysis bullosa. Last evaluated: 2023-12-09. Review status: criteria provided, single submitter. Criteria: Myriad Autosomal Dominant, Autosomal Recessive and X-Linked Classification Criteria (2023). Collection method: clinical testing. Allele origin: unknown.
Comment: NM_005562.2(LAMC2):c.881_888del8(L294Hfs*25) is expected to be pathogenic in the context of junctional epidermolysis bullosa, LAMC2-related. This variant is predicted to lead to an abnormal or absent protein product due to the creation of a premature termination codon in LAMC2, a gene where loss-of-function variants are known to be pathogenic. Please note: this variant was assessed in the context of healthy population screening.